The following is an entry in ClinVar:

ClinVar aggregate classification (germline): Conflicting classifications of pathogenicity. Review status: criteria provided, conflicting classifications (1 of 4 stars). 10 submissions from 8 submitters: Uncertain significance (1); Benign (9). Last evaluated 2026-02-04.

Conditions:
RYR1-related disorder. Also called: RYR1-related condition; RYR1-related disorders. Identifiers: MedGen CN239331.
Central core myopathy (CMYO1A). Also called: CONGENITAL MYOPATHY 1A, AUTOSOMAL DOMINANT, WITH SUSCEPTIBILITY TO MALIGNANT HYPERTHERMIA; Central core disease; Myopathy, central fibrillar. Identifiers: Orphanet 597, MedGen C5830701, MONDO:0007294, OMIM 117000.
Congenital multicore myopathy with external ophthalmoplegia (CMYO1B). Also called: Congenital myopathy 1B, autosomal recessive; Minicore myopathy; Minicore myopathy with external ophthalmoplegia; MULTIMINICORE DISEASE WITH EXTERNAL OPHTHALMOPLEGIA; MULTICORE MYOPATHY. Identifiers: Orphanet 598, Orphanet 98905, MedGen C1850674, MONDO:0009712, OMIM 255320, HP:0003789.
Malignant hyperthermia, susceptibility to, 1 (MHS1). Also called: RYR1-Related Malignant Hyperthermia Susceptibility; Malignant hyperthermia suceptibility 1; Anesthesia related hyperthermia; Malignant hyperpyrexia; Fulminating hyperpyrexia; Pharmacogenic myopathy. Identifiers: Orphanet 423, MedGen C2930980, MONDO:0007783, OMIM 145600.

Allele frequency attached by ClinVar (database versions not stated): gnomAD 0.00899 and 0.00971; TOPMed 0.00961; 1000 Genomes Project 0.01018; 1000 Genomes Project 30x 0.01046; ESP Exome Variant Server 0.01084.
gnomAD v4.1: 2,670 of 1,613,096 alleles (0.17%); highest among the groups gnomAD compares: African/African-American, 3.2%; 43 homozygotes.

Submissions (10):

Labcorp Genetics (formerly Invitae), Labcorp
Classification: Benign for RYR1-related disorder. Last evaluated: 2026-02-04. Review status: criteria provided, single submitter. Criteria: Invitae Variant Classification Sherloc (09022015). Collection method: clinical testing. Allele origin: germline.

ARUP Laboratories, Molecular Genetics and Genomics, ARUP Laboratories
Classification: Benign. Last evaluated: 2025-01-10. Review status: criteria provided, single submitter. Criteria: ARUP Molecular Germline Variant Investigation Process 2024. Collection method: clinical testing. Allele origin: germline.

Color Diagnostics, LLC DBA Color Health
Classification: Benign for Malignant hyperthermia, susceptibility to, 1. Last evaluated: 2022-11-06. Review status: criteria provided, single submitter. Criteria: ACMG Guidelines, 2015. Collection method: clinical testing. Allele origin: germline.

PreventionGenetics, part of Exact Sciences
Classification: Benign. Last evaluated: 2018-03-13. Review status: criteria provided, single submitter. Criteria: ACMG Guidelines, 2015. Collection method: clinical testing. Allele origin: germline.

Illumina Laboratory Services, Illumina
Classification: Benign for Malignant hyperthermia, susceptibility to, 1. Last evaluated: 2018-01-12. Review status: criteria provided, single submitter. Criteria: ICSL Variant Classification Criteria 13 December 2019. Collection method: clinical testing. Allele origin: germline.
Comment: This variant was observed in the ICSL laboratory as part of a predisposition screen in an ostensibly healthy population. It had not been previously curated by ICSL or reported in the Human Gene Mutation Database (HGMD: prior to June 1st, 2018), and was therefore a candidate for classification through an automated scoring system. Utilizing variant allele frequency, disease prevalence and penetrance estimates, and inheritance mode, an automated score was calculated to assess if this variant is too frequent to cause the disease. Based on the score and internal cut-off values, a variant classified as benign is not then subjected to further curation. The score for this variant resulted in a classification of benign for this disease.

Illumina Laboratory Services, Illumina
Classification: Benign for Congenital multicore myopathy with external ophthalmoplegia. Last evaluated: 2018-01-12. Review status: criteria provided, single submitter. Criteria: ICSL Variant Classification Criteria 13 December 2019. Collection method: clinical testing. Allele origin: germline.
Comment: the same text as in the submission from Illumina Laboratory Services, Illumina above.

Illumina Laboratory Services, Illumina
Classification: Benign for Central core myopathy. Last evaluated: 2018-01-12. Review status: criteria provided, single submitter. Criteria: ICSL Variant Classification Criteria 13 December 2019. Collection method: clinical testing. Allele origin: germline.
Comment: the same text as in the submission from Illumina Laboratory Services, Illumina above.

GeneDx
Classification: Benign. Last evaluated: 2016-10-31. Review status: criteria provided, single submitter. Criteria: GeneDx Variant Classification (06012015). Collection method: clinical testing. Allele origin: germline. Affected: yes.
Comment: This variant is considered likely benign or benign based on one or more of the following criteria: it is a conservative change, it occurs at a poorly conserved position in the protein, it is predicted to be benign by multiple in silico algorithms, and/or has population frequency not consistent with disease.

Eurofins Ntd Llc (ga)
Classification: Benign. Last evaluated: 2013-08-09. Review status: criteria provided, single submitter. Criteria: EGL Classification Definitions 2015. Collection method: clinical testing. Allele origin: germline. Observed: 1 variant allele, 1 heterozygote.

Genetic Services Laboratory, University of Chicago
Classification: Uncertain significance. Last evaluated: 2013-03-04. Review status: criteria provided, single submitter. Criteria: ACMG Guidelines, 2007. Collection method: clinical testing. Allele origin: germline. Inheritance: Autosomal unknown.

NM_000540.3(RYR1):c.7737G>A (p.Val2579=)

Gene: RYR1 (ryanodine receptor 1; plus strand). Cytogenetic location: 19q13.2.
Variant type: single nucleotide variant.
Coding change: c.7737G>A on transcript NM_000540.3 (MANE Select); coding-DNA position 7737, G replaced by A.
Protein change: p.Val2579=; no amino-acid change (valine 2579 retained).
Molecular consequence: synonymous variant.
Genome position (GRCh38, 1-based): chr19:38,502,629, G>A. VCF-style: chr19-38502629-G-A. GRCh37 (hg19) VCF-style: chr19-38993269-G-A.
Other names: c.7737G>A, p.Val2579= (NM_001042723.2).
Identifiers: ClinVar variation 93290 (VCV000093290.27), dbSNP rs114975624, ClinGen allele CA024844.